The following is an entry in ClinVar:

NM_000478.6(ALPL):c.1068C>G (p.Asp356Glu)

Gene: ALPL (alkaline phosphatase, biomineralization associated; plus strand). Cytogenetic location: 1p36.12.
Variant type: single nucleotide variant.
Coding change: c.1068C>G on transcript NM_000478.6 (MANE Select); coding-DNA position 1068, C replaced by G.
Protein change: p.Asp356Glu; replaces aspartic acid 356 with glutamic acid.
Molecular consequence: missense variant.
Genome position (GRCh38, 1-based): chr1:21,575,803, C>G. VCF-style: chr1-21575803-C-G. GRCh37 (hg19) VCF-style: chr1-21902296-C-G.
Other names: c.903C>G, p.Asp301Glu (NM_001127501.4); c.837C>G, p.Asp279Glu (NM_001177520.3); c.1068C>G, p.Asp356Glu (NM_001369803.2, NM_001369804.2, NM_001369805.2); short protein forms D301E, D356E, D279E.
Identifiers: ClinVar variation 2264948 (VCV002264948.4), dbSNP rs767794155, ClinGen allele CA666726.

ClinVar aggregate classification (germline): Uncertain significance. Review status: criteria provided, multiple submitters, no conflicts (2 of 4 stars). 2 submissions from 2 submitters: Uncertain significance (2). Last evaluated 2026-09-01.

Conditions:
Inborn genetic diseases. Identifiers: MedGen C0950123, MeSH D030342.
Hypophosphatasia. Also called: Phosphoethanol-aminuria. Identifiers: Orphanet 436, MedGen C0020630, MeSH D007014, MONDO:0018570.

Allele frequency attached by ClinVar (database versions not stated): gnomAD exomes below 0.00001; ExAC 0.00001.
gnomAD v4.1: 7 of 1,614,218 alleles (0.00043%); highest among the groups gnomAD compares: Non-Finnish European, 0.00059%; no homozygotes.

Submissions (2):

Genomenon, Inc
Classification: Uncertain significance for Hypophosphatasia. Last evaluated: 2026-09-01. Review status: criteria provided, single submitter. Criteria: Genomenon Sequence Variant Interpretation Standards - Updated. Collection method: curation. Allele origin: germline. Affected: yes.
Comment: ALPL p.Asp356Glu (c.1068C>G) is a missense variant that changes the amino acid at codon 356 from Aspartic acid to Glutamic acid. This variant has been observed in at least one proband affected with an ALPL-related disorder (PMID:28401263). It is absent or not present at a significant frequency in gnomAD. In silico models predict that this variant is possibly or probably damaging. In conclusion, we classify ALPL p.Asp356Glu (c.1068C>G) as a variant of uncertain significance.

Ambry Genetics
Classification: Uncertain significance for Inborn genetic diseases. Last evaluated: 2022-01-15. Review status: criteria provided, single submitter. Criteria: Ambry Variant Classification Scheme 2023. Collection method: clinical testing. Allele origin: germline.

Literature cited by the submitters: PubMed 28401263 (cited by Genomenon, Inc).